The following is an entry in ClinVar:

ClinVar aggregate classification (germline): Uncertain significance (1 of 4 stars; one submission).

Allele frequency attached by ClinVar (database versions not stated): gnomAD 0.00001; TOPMed 0.00001.

Submission:

GeneDx
Classification: Uncertain significance. Last evaluated: 2022-02-28. Review status: criteria provided, single submitter. Criteria: GeneDx Variant Classification Process June 2021. Collection method: clinical testing. Allele origin: germline. Affected: yes.
Comment: Not observed at significant frequency in large population cohorts (gnomAD); Variant located in the Kozak sequence just upstream of the ATG translational start site, which plays a major role in the initiation of translation; however, in the absence of RNA/functional studies, the actual effect of this sequence change in this individual is unknown.; Has not been previously published as pathogenic or benign to our knowledge

NM_014946.4(SPAST):c.-4G>A

Gene: SPAST (spastin; plus strand). Cytogenetic location: 2p22.3.
Variant type: single nucleotide variant.
Coding change: c.-4G>A on transcript NM_014946.4 (MANE Select); 4 bases upstream of the start codon, G replaced by A.
Molecular consequence: 5 prime UTR variant.
Genome position (GRCh38, 1-based): chr2:32,063,828, G>A. VCF-style: chr2-32063828-G-A. GRCh37 (hg19) VCF-style: chr2-32288897-G-A.
Other names: c.-4G>A (NM_001363823.2, NM_001363875.2, NM_001377959.1 and 1 more transcripts).
Identifiers: ClinVar variation 1703982 (VCV001703982.2), dbSNP rs1404932072, ClinGen allele CA767797065.